The following is an entry in ClinVar:

ClinVar aggregate classification (germline): Pathogenic (1 of 4 stars; one submission).

Submission:

Labcorp Genetics (formerly Invitae), Labcorp
Classification: Pathogenic. Last evaluated: 2023-01-28. Review status: criteria provided, single submitter. Criteria: Invitae Variant Classification Sherloc (09022015). Collection method: clinical testing. Allele origin: germline.
Comment: This variant disrupts a region of the HPS6 protein in which other variant(s) (p.Arg667*) have been determined to be pathogenic (PMID: 33878481). This suggests that this is a clinically significant region of the protein, and that variants that disrupt it are likely to be disease-causing. This variant has not been reported in the literature in individuals affected with HPS6-related conditions. This variant is present in population databases (no rsID available, gnomAD 0.004%). This sequence change creates a premature translational stop signal (p.Ala148Glnfs*75) in the HPS6 gene. While this is not anticipated to result in nonsense mediated decay, it is expected to disrupt the last 628 amino acid(s) of the HPS6 protein. For these reasons, this variant has been classified as Pathogenic.

Literature cited by the submitters: PubMed 33878481.

NM_024747.6(HPS6):c.441_453del (p.Ala148fs)

Gene: HPS6 (HPS6 biogenesis of lysosomal organelles complex 2 subunit 3; plus strand). Cytogenetic location: 10q24.32.
Variant type: Deletion.
Coding change: c.441_453del on transcript NM_024747.6 (MANE Select); coding-DNA positions 441 to 453, 13 bases deleted (GGCCGAGGGCCCG).
Protein change: p.Ala148fs; shifts the reading frame from alanine 148.
Molecular consequence: frameshift variant.
Genome position (GRCh38, 1-based): chr10:102,065,915-102,065,927, GGCCGAGGGCCCG deleted; deleting any 13 consecutive bases within chr10:102,065,909-102,065,927 gives the same sequence; the c. name uses the placement nearest the transcript's 3' end. VCF-style (leftmost placement, unchanged base first): chr10-102065908-AGGCCCGGGCCGAG-A. GRCh37 (hg19) VCF-style: chr10-103825665-AGGCCCGGGCCGAG-A.
Other names: short protein forms A148fs.
Identifiers: ClinVar variation 2803492 (VCV002803492.3), dbSNP rs1195549484, ClinGen allele CA595247583.